The following is an entry in ClinVar:

ClinVar aggregate classification (germline): Uncertain significance (1 of 4 stars; one submission).

Submission:

Labcorp Genetics (formerly Invitae), Labcorp
Classification: Uncertain significance. Last evaluated: 2021-05-27. Review status: criteria provided, single submitter. Criteria: Invitae Variant Classification Sherloc (09022015). Collection method: clinical testing. Allele origin: germline.
Comment: This sequence change replaces serine with cysteine at codon 1400 of the CARMIL2 protein (p.Ser1400Cys). The serine residue is moderately conserved and there is a moderate physicochemical difference between serine and cysteine. In summary, the available evidence is currently insufficient to determine the role of this variant in disease. Therefore, it has been classified as a Variant of Uncertain Significance. Algorithms developed to predict the effect of missense changes on protein structure and function are either unavailable or do not agree on the potential impact of this missense change (SIFT: "Deleterious"; PolyPhen-2: "Probably Damaging"; Align-GVGD: "Class C0"). This variant has not been reported in the literature in individuals with CARMIL2-related conditions. This variant is not present in population databases (ExAC no frequency).

NM_001013838.3(CARMIL2):c.4199C>G (p.Ser1400Cys)

Gene: CARMIL2 (capping protein regulator and myosin 1 linker 2; plus strand). Cytogenetic location: 16q22.1.
Variant type: single nucleotide variant.
Coding change: c.4199C>G on transcript NM_001013838.3 (MANE Select); coding-DNA position 4199, C replaced by G.
Protein change: p.Ser1400Cys; replaces serine 1400 with cysteine.
Molecular consequence: missense variant.
Genome position (GRCh38, 1-based): chr16:67,657,409, C>G. VCF-style: chr16-67657409-C-G. GRCh37 (hg19) VCF-style: chr16-67691312-C-G.
Other names: c.4010C>G, p.Ser1337Cys (NM_001317026.3); short protein forms S1337C, S1400C.
Identifiers: ClinVar variation 1368914 (VCV001368914.8), dbSNP rs2142963997, ClinGen allele CA396349229.